The following is an entry in ClinVar:

ClinVar aggregate classification (germline): Conflicting classifications of pathogenicity. Review status: criteria provided, conflicting classifications (1 of 4 stars). 3 submissions from 3 submitters: Likely pathogenic (1); Uncertain significance (2). Last evaluated 2026-04-14.

Conditions:
Familial intrahepatic cholestasis. Identifiers: Orphanet 284385, MedGen CN296401, MONDO:0017290.
Cholestasis, progressive familial intrahepatic, 4. Identifiers: Orphanet 480483, Orphanet 79304, MedGen C2931067, MONDO:0014381, OMIM 615878.
Progressive familial intrahepatic cholestasis type 2. Identifiers: Orphanet 79304, MedGen C3489789, MONDO:0011156, OMIM 601847.

Submissions (3):

Genomenon, Inc
Classification: Uncertain significance for Familial intrahepatic cholestasis. Last evaluated: 2026-04-14. Review status: criteria provided, single submitter. Criteria: Genomenon Sequence Variant Interpretation Standards - Updated. Collection method: curation. Allele origin: germline. Affected: yes.
Comment: ABCB11 p.Ile420Asn (c.1259T>A) is a missense variant that changes the amino acid at residue 420 from Isoleucine to Asparagine. This variant has been observed in at least one proband with an ABCB11-related disorder (PMID:36995996). It is absent or not present at a significant frequency in gnomAD. In silico models predict that this variant is possibly or probably damaging. In conclusion, we classify ABCB11 p.Ile420Asn (c.1259T>A) as a variant of uncertain significance.

Institute of Human Genetics, University of Leipzig Medical Center
Classification: Likely pathogenic for Cholestasis, progressive familial intrahepatic, 4. Last evaluated: 2024-10-07. Review status: criteria provided, single submitter. Criteria: ACMG Guidelines, 2015. Collection method: clinical testing. Allele origin: unknown. Inheritance: Autosomal recessive inheritance. Affected: yes.
Comment: Criteria applied: PM3,PM2,PM5,PP3,PP4; Identified as compound heterozygous with NM_003742.4:c.1445A>G

3billion
Classification: Uncertain significance for Progressive familial intrahepatic cholestasis type 2. Last evaluated: 2024-01-31. Review status: criteria provided, single submitter. Criteria: ACMG Guidelines, 2015. Collection method: clinical testing. Allele origin: germline. Affected: yes.
Comment: The variant is not observed in the gnomAD v2.1.1 dataset. Predicted Consequence/Location: Missense variant In silico tool predictions suggest damaging effect of the variant on gene or gene product [REVEL: 0.94 (>=0.6, sensitivity 0.68 and specificity 0.92); 3Cnet: 0.29 (>=0.6, sensitivity 0.72 and precision 0.9)]. Same nucleotide change resulting in same amino acid change has been previously reported to be associated with ABCB11 related disorder (PMID: 26516723). A different missense change at the same codon (p.Ile420Thr) has been reported to be associated with ABCB11 related disorder (PMID: 20232290). However the evidence of pathogenicity is insufficient at this time. Therefore, this variant is classified as VUS according to the recommendation of ACMG/AMP guideline.

Literature cited by the submitters: PubMed 36995996 (cited by Genomenon, Inc); PubMed 20232290 (cited by 3billion); PubMed 26516723 (cited by 3billion).

NM_003742.4(ABCB11):c.1259T>A (p.Ile420Asn)

Gene: ABCB11 (ATP binding cassette subfamily B member 11; minus strand). Cytogenetic location: 2q31.1.
Variant type: single nucleotide variant.
Coding change: c.1259T>A on transcript NM_003742.4 (MANE Select); coding-DNA position 1259, T replaced by A.
Protein change: p.Ile420Asn; replaces isoleucine 420 with asparagine.
Molecular consequence: missense variant.
Genome position (GRCh38, 1-based): chr2:168,976,626, A>T on the plus strand (T>A on the coding strand, the complement: ABCB11 is on the minus strand). VCF-style: chr2-168976626-A-T. GRCh37 (hg19) VCF-style: chr2-169833136-A-T.
Other names: short protein forms I420N.
Identifiers: ClinVar variation 3376131 (VCV003376131.4).